The following is an entry in ClinVar:

NM_005732.4(RAD50):c.1435C>T (p.Gln479Ter)

Gene: RAD50 (RAD50 double strand break repair protein; plus strand). Cytogenetic location: 5q31.1.
Variant type: single nucleotide variant.
Coding change: c.1435C>T on transcript NM_005732.4 (MANE Select); coding-DNA position 1435, C replaced by T.
Protein change: p.Gln479Ter; replaces glutamine 479 with a stop codon.
Molecular consequence: nonsense.
Genome position (GRCh38, 1-based): chr5:132,589,820, C>T. VCF-style: chr5-132589820-C-T. GRCh37 (hg19) VCF-style: chr5-131925512-C-T.
Other names: short protein forms Q479*.
Identifiers: ClinVar variation 2630630 (VCV002630630.4), dbSNP rs1580993593, ClinGen allele CA360944899.
Genomic context (GRCh38, chr5:132,589,820, plus strand): 5'-AATGTGAAGTATGAATTACAGCAGTTGGAAGGATCTTCAGACAGGATTCTTGAACTGGAC[C>T]AGGAGCTCATAAAAGCTGTAAGATATTGTTTGAATAATCTAATAATTTTAAGATATAATA-3'

ClinVar aggregate classification (germline): Pathogenic/Likely pathogenic. Review status: criteria provided, multiple submitters, no conflicts (2 of 4 stars). 2 submissions from 2 submitters: Pathogenic (1); Likely pathogenic (1). Last evaluated 2023-07-26.

Conditions:
Hereditary cancer-predisposing syndrome. Also called: Tumor predisposition; Neoplastic Syndromes, Hereditary; Hereditary neoplastic syndrome; Hereditary Cancer Syndrome. Identifiers: Orphanet 140162, MedGen C0027672, MeSH D009386, MONDO:0015356.
RAD50-related disorder. Also called: RAD50-related condition.

gnomAD v4.1: 1 of 1,612,262 alleles (0.000062%); highest among the groups gnomAD compares: South Asian, 0.0011%; no homozygotes.

Submissions (2):

Labcorp Genetics (formerly Invitae), Labcorp
Classification: Pathogenic for Hereditary cancer-predisposing syndrome. Last evaluated: 2023-07-26. Review status: criteria provided, single submitter. Criteria: Invitae Variant Classification Sherloc (09022015). Collection method: clinical testing. Allele origin: germline.
Comment: This sequence change creates a premature translational stop signal (p.Gln479*) in the RAD50 gene. It is expected to result in an absent or disrupted protein product. Loss-of-function variants in RAD50 are known to be pathogenic (PMID: 19409520). For these reasons, this variant has been classified as Pathogenic. This variant has not been reported in the literature in individuals affected with RAD50-related conditions. This variant is not present in population databases (gnomAD no frequency).

PreventionGenetics, part of Exact Sciences
Classification: Likely pathogenic for RAD50-related condition. Last evaluated: 2023-01-30. Review status: criteria provided, single submitter. Criteria: ACMG Guidelines, 2015. Collection method: clinical testing. Allele origin: germline.
Comment: The RAD50 c.1435C>T variant is predicted to result in premature protein termination (p.Gln479*). To our knowledge, this variant has not been reported in the literature or in a large population database, indicating this variant is rare. Nonsense variants in RAD50 are expected to be pathogenic. This variant is interpreted as likely pathogenic.

Literature cited by the submitters: PubMed 19409520 (cited by Labcorp Genetics (formerly Invitae), Labcorp).